The following is an entry in ClinVar:

ClinVar aggregate classification (germline): Uncertain significance (1 of 4 stars; one submission).

Allele frequency attached by ClinVar (database versions not stated): gnomAD 0.00003; TOPMed 0.00003; gnomAD exomes 0.00005; ExAC 0.00007; ESP Exome Variant Server 0.00008.
gnomAD v4.1: 70 of 1,613,640 alleles (0.0043%); highest among the groups gnomAD compares: Admixed American, 0.022%; no homozygotes.

Submission:

Labcorp Genetics (formerly Invitae), Labcorp
Classification: Uncertain significance. Last evaluated: 2022-08-22. Review status: criteria provided, single submitter. Criteria: Invitae Variant Classification Sherloc (09022015). Collection method: clinical testing. Allele origin: germline.
Comment: This sequence change replaces arginine, which is basic and polar, with glutamine, which is neutral and polar, at codon 463 of the GFM2 protein (p.Arg463Gln). This variant is present in population databases (rs377463681, gnomAD 0.03%). This variant has not been reported in the literature in individuals affected with GFM2-related conditions. Algorithms developed to predict the effect of missense changes on protein structure and function (SIFT, PolyPhen-2, Align-GVGD) all suggest that this variant is likely to be tolerated. In summary, the available evidence is currently insufficient to determine the role of this variant in disease. Therefore, it has been classified as a Variant of Uncertain Significance.

NM_032380.5(GFM2):c.1388G>A (p.Arg463Gln)

Gene: GFM2 (GTP dependent ribosome recycling factor mitochondrial 2; minus strand). Cytogenetic location: 5q13.3.
Variant type: single nucleotide variant.
Coding change: c.1388G>A on transcript NM_032380.5 (MANE Select); coding-DNA position 1388, G replaced by A.
Protein change: p.Arg463Gln; replaces arginine 463 with glutamine.
Molecular consequence: missense variant. On other transcripts: non-coding transcript variant (1).
Genome position (GRCh38, 1-based): chr5:74,736,918, C>T on the plus strand (G>A on the coding strand, the complement: GFM2 is on the minus strand). VCF-style: chr5-74736918-C-T. GRCh37 (hg19) VCF-style: chr5-74032743-C-T.
Other names: c.1484G>A, p.Arg495Gln (NM_001281302.2); c.1388G>A, p.Arg463Gln (NM_170681.3); c.1247G>A, p.Arg416Gln (NM_170691.3); short protein forms R416Q, R463Q, R495Q.
Identifiers: ClinVar variation 2419647 (VCV002419647.6), dbSNP rs377463681, ClinGen allele CA3306540.